The following is an entry in ClinVar:

ClinVar aggregate classification (germline): Uncertain significance/Uncertain risk allele. Review status: criteria provided, multiple submitters, no conflicts (2 of 4 stars). 4 submissions from 4 submitters: Uncertain significance (3); Uncertain risk allele (1). Last evaluated 2026-01-11.

Conditions:
Loeys-Dietz syndrome 2 (LDS2). Also called: TGFBR2-Related Loeys-Dietz Syndrome; AORTIC ANEURYSM, FAMILIAL THORACIC 3; MARFAN SYNDROME, TYPE II; Marfan Syndrome type 2; Marfan like connective tissue disorder; MFS 2. Identifiers: Orphanet 284973, Orphanet 558, MedGen C2674574, MONDO:0012427, OMIM 610168.
Diabetic retinopathy. Identifiers: MedGen C0011884, MONDO:0005266.
Familial thoracic aortic aneurysm and aortic dissection (TAAD). Also called: Thoracic aortic aneurysms and dissections. Identifiers: Orphanet 91387, MedGen C4707243, MONDO:0019625.

Allele frequency attached by ClinVar (database versions not stated): TOPMed 0.00001.

Submissions (4):

Labcorp Genetics (formerly Invitae), Labcorp
Classification: Uncertain significance for Familial thoracic aortic aneurysm and aortic dissection. Last evaluated: 2026-01-11. Review status: criteria provided, single submitter. Criteria: Invitae Variant Classification Sherloc (09022015). Collection method: clinical testing. Allele origin: germline.
Comment: This sequence change replaces arginine, which is basic and polar, with histidine, which is basic and polar, at codon 19 of the TGFBR2 protein (p.Arg19His). This variant is not present in population databases (gnomAD no frequency). This missense change has been observed in individual(s) with clinical features of TGFBR2-related conditions (internal data). ClinVar contains an entry for this variant (Variation ID: 921794). Invitae Evidence Modeling of protein sequence and biophysical properties (such as structural, functional, and spatial information, amino acid conservation, physicochemical variation, residue mobility, and thermodynamic stability) indicates that this missense variant is not expected to disrupt TGFBR2 protein function with a negative predictive value of 95%. In summary, the available evidence is currently insufficient to determine the role of this variant in disease. Therefore, it has been classified as a Variant of Uncertain Significance.

All of Us Research Program, National Institutes of Health
Classification: Uncertain significance for Loeys-Dietz syndrome 2. Last evaluated: 2023-07-19. Review status: criteria provided, single submitter. Criteria: ACMG Guidelines, 2015. Collection method: clinical testing. Allele origin: germline. Inheritance: Autosomal dominant inheritance. Observed: 1 variant allele, 1 heterozygote.
Comment: This missense variant replaces arginine with histidine at codon 19 of the TGFBR2 protein. Computational prediction suggests that this variant may not impact protein structure and function (internally defined REVEL score threshold <= 0.5, PMID: 27666373). To our knowledge, functional studies have not been reported for this variant. This variant has not been reported in individuals affected with cardiovascular disorders in the literature. This variant has not been identified in the general population by the Genome Aggregation Database (gnomAD). The available evidence is insufficient to determine the role of this variant in disease conclusively. Therefore, this variant is classified as a Variant of Uncertain Significance.

This study involves interpretation of variants in research participants for the purpose of population health screening. Participant phenotype was not available at the time of variant classification. Additional details can be found in publication PMID: 35346344, PMCID: PMC8962531

Color Diagnostics, LLC DBA Color Health
Classification: Uncertain significance for Familial thoracic aortic aneurysm and aortic dissection. Last evaluated: 2023-07-06. Review status: criteria provided, single submitter. Criteria: ACMG Guidelines, 2015. Collection method: clinical testing. Allele origin: germline.
Comment: This missense variant replaces arginine with histidine at codon 19 of the TGFBR2 protein. Computational prediction suggests that this variant may not impact protein structure and function (internally defined REVEL score threshold <= 0.5, PMID: 27666373). To our knowledge, functional studies have not been reported for this variant. This variant has not been reported in individuals affected with cardiovascular disorders in the literature. This variant has not been identified in the general population by the Genome Aggregation Database (gnomAD). The available evidence is insufficient to determine the role of this variant in disease conclusively. Therefore, this variant is classified as a Variant of Uncertain Significance.

Clinical Genomics, Uppaluri K&H Personalized Medicine Clinic
Classification: Uncertain risk allele for Diabetic retinopathy. Review status: criteria provided, single submitter. Criteria: K And H Uppaluri Personalized Medicine Clinic Variant Classification And Assertion Criteria Updated V 2. Collection method: research. Allele origin: unknown.
Comment: Potent mutations in TGFBR2 gene encodes the transforming growth factor that have been associated with angiogenesis and diabetic retinopathy. More clinical studies are needed for stronger association. However, more evidence is required to confer the association of this particular variant rs763085648 with diabetic retinopathy.

Literature cited by the submitters: PubMed 30222965 (cited by Clinical Genomics, Uppaluri K&H Personalized Medicine Clinic); PubMed 28162229 (cited by Clinical Genomics, Uppaluri K&H Personalized Medicine Clinic); PubMed 34572573 (cited by Clinical Genomics, Uppaluri K&H Personalized Medicine Clinic).

NM_003242.6(TGFBR2):c.56G>A (p.Arg19His)

Gene: TGFBR2 (transforming growth factor beta receptor 2; plus strand). Cytogenetic location: 3p24.1.
Variant type: single nucleotide variant.
Coding change: c.56G>A on transcript NM_003242.6 (MANE Select); coding-DNA position 56, G replaced by A.
Protein change: p.Arg19His; replaces arginine 19 with histidine.
Molecular consequence: missense variant.
Genome position (GRCh38, 1-based): chr3:30,606,939, G>A. VCF-style: chr3-30606939-G-A. GRCh37 (hg19) VCF-style: chr3-30648431-G-A.
Other names: c.56G>A, p.Arg19His (NM_001024847.3, NM_001407126.1, NM_001407127.1 and 4 more transcripts); c.-228G>A (NM_001407133.1); c.-106G>A (NM_001407134.1); c.-153G>A (NM_001407135.1); c.-238G>A (NM_001407136.1); short protein forms R19H.
Identifiers: ClinVar variation 921794 (VCV000921794.10), dbSNP rs763085648, ClinGen allele CA351830566.
Genomic context (GRCh38, chr3:30,606,939, plus strand): 5'-CTGCCATGGGTCGGGGGCTGCTCAGGGGCCTGTGGCCGCTGCACATCGTCCTGTGGACGC[G>A]TATCGCCAGCACGATCCCACCGCACGTTCAGAAGTCGGGTGAGTGGTCCCCAGCCCGGGC-3'
Protein context (NP_003233.4, residues 9-29): LWPLHIVLWT[Arg19His]IASTIPPHVQ